The following is an entry in ClinVar:

NC_000009.12:g.35658022_35658023insTCTCAGCTTCACAGT

Gene: RMRP (RNA component of mitochondrial RNA processing endoribonuclease; minus strand). Cytogenetic location: 9p13.3.
Variant type: Insertion.
Genome position: GRCh38 VCF-style: chr9-35658020-C-CGTTCTCAGCTTCACA. GRCh37 (hg19) VCF-style: chr9-35658017-C-CGTTCTCAGCTTCACA.
Identifiers: ClinVar variation 2772277 (VCV002772277.3), dbSNP rs1554651405, ClinGen allele CA2697557719.

ClinVar aggregate classification (germline): Pathogenic (1 of 4 stars; one submission).

Conditions:
Anauxetic dysplasia. Identifiers: Orphanet 93347, MedGen C1846796, MONDO:0011773.

Submission:

Labcorp Genetics (formerly Invitae), Labcorp
Classification: Pathogenic for Anauxetic dysplasia. Last evaluated: 2023-10-28. Review status: criteria provided, single submitter. Criteria: Invitae Variant Classification Sherloc (09022015). Collection method: clinical testing. Allele origin: germline.
Comment: This variant occurs in the RMRP gene, which encodes an RNA molecule that does not result in a protein product. This variant is not present in population databases (gnomAD no frequency). While this particular variant has not been reported in the literature, it is located in the promoter region between the TATA box and the transcription initiation site, and other insertions and duplications immediately upstream of the coding sequence have been reported in individuals affected with cartilage-hair hypoplasia-anauxetic dysplasia (CHH-AD) spectrum disorders (PMID: 16244706, 11207361, 12107819). While functional studies for this variant have not been reported, experimental analyses using patient derived cells, as well as in vitro transfection studies, have shown that promoter insertions result in silencing of RMRP transcription and reduced expression of the gene product (PMID: 11207361, 16254002). For these reasons, this variant has been classified as Pathogenic.

Literature cited by the submitters: PubMed 16244706; PubMed 11207361; PubMed 12107819; PubMed 16254002.